The following is an entry in ClinVar:

ClinVar aggregate classification (germline): Conflicting classifications of pathogenicity. Review status: criteria provided, conflicting classifications (1 of 4 stars). 4 submissions from 3 submitters: Uncertain significance (2); Likely benign (1). 1 of the submissions does not count toward it. Last evaluated 2023-09-15.

Conditions:
PTH1R-related disorder. Also called: PTH1R-related condition.
Chondrodysplasia Blomstrand type (BOCD). Identifiers: Orphanet 50945, MedGen C1859148, MONDO:0008970, OMIM 215045.
Metaphyseal chondrodysplasia, Jansen type. Also called: Metaphyseal chondrodysplasia Murk Jansen type; PTH1R-Related Jansen Metaphyseal Chondrodysplasia. Identifiers: Orphanet 33067, MedGen C0265295, MONDO:0007982, OMIM 156400.

Allele frequency attached by ClinVar (database versions not stated): gnomAD exomes 0.00001; ExAC 0.00002; gnomAD 0.00002; TOPMed 0.00003.
gnomAD v4.1: 22 of 1,613,730 alleles (0.0014%); highest among the groups gnomAD compares: African/African-American, 0.0013%; no homozygotes.

Submissions (4):

Labcorp Genetics (formerly Invitae), Labcorp
Classification: Likely benign. Last evaluated: 2023-09-15. Review status: criteria provided, single submitter. Criteria: Invitae Variant Classification Sherloc (09022015). Collection method: clinical testing. Allele origin: germline.

Illumina Laboratory Services, Illumina
Classification: Uncertain significance for Chondrodysplasia Blomstrand type. Last evaluated: 2018-01-13. Review status: criteria provided, single submitter. Criteria: ICSL Variant Classification Criteria 13 December 2019. Collection method: clinical testing. Allele origin: germline.

Illumina Laboratory Services, Illumina
Classification: Uncertain significance for Metaphyseal chondrodysplasia, Jansen type. Last evaluated: 2018-01-13. Review status: criteria provided, single submitter. Criteria: ICSL Variant Classification Criteria 13 December 2019. Collection method: clinical testing. Allele origin: germline.

PreventionGenetics, part of Exact Sciences
Classification: Likely benign for PTH1R-related condition. Last evaluated: 2024-08-07. Review status: no assertion criteria provided. Collection method: clinical testing. Allele origin: germline. Not counted in ClinVar's aggregate classification.
Comment: This variant is classified as likely benign based on ACMG/AMP sequence variant interpretation guidelines (Richards et al. 2015 PMID: 25741868, with internal and published modifications).

NM_000316.3(PTH1R):c.1695C>T (p.Asn565=)

Gene: PTH1R (parathyroid hormone 1 receptor; plus strand). Cytogenetic location: 3p21.31.
Variant type: single nucleotide variant.
Coding change: c.1695C>T on transcript NM_000316.3 (MANE Select); coding-DNA position 1695, C replaced by T.
Protein change: p.Asn565=; no amino-acid change (asparagine 565 retained).
Molecular consequence: synonymous variant.
Genome position (GRCh38, 1-based): chr3:46,903,569, C>T. VCF-style: chr3-46903569-C-T. GRCh37 (hg19) VCF-style: chr3-46945059-C-T.
Other names: c.1695C>T, p.Asn565= (NM_001184744.1).
Identifiers: ClinVar variation 902323 (VCV000902323.12), dbSNP rs771579145, ClinGen allele CA2359606.